The following is an entry in ClinVar:

ClinVar aggregate classification (germline): Uncertain significance (1 of 4 stars; one submission).

Submission:

Labcorp Genetics (formerly Invitae), Labcorp
Classification: Uncertain significance. Last evaluated: 2024-06-09. Review status: criteria provided, single submitter. Criteria: Invitae Variant Classification Sherloc (09022015). Collection method: clinical testing. Allele origin: germline.
Comment: This sequence change replaces valine, which is neutral and non-polar, with glycine, which is neutral and non-polar, at codon 416 of the C8A protein (p.Val416Gly). This variant is not present in population databases (gnomAD no frequency). This variant has not been reported in the literature in individuals affected with C8A-related conditions. An algorithm developed to predict the effect of missense changes on protein structure and function (PolyPhen-2) suggests that this variant is likely to be disruptive. Algorithms developed to predict the effect of sequence changes on RNA splicing suggest that this variant may disrupt the consensus splice site. In summary, the available evidence is currently insufficient to determine the role of this variant in disease. Therefore, it has been classified as a Variant of Uncertain Significance.

NM_000562.3(C8A):c.1247T>G (p.Val416Gly)

Gene: C8A (complement C8 alpha chain; plus strand). Cytogenetic location: 1p32.2.
Variant type: single nucleotide variant.
Coding change: c.1247T>G on transcript NM_000562.3 (MANE Select); coding-DNA position 1247, T replaced by G.
Protein change: p.Val416Gly; replaces valine 416 with glycine.
Molecular consequence: missense variant.
Genome position (GRCh38, 1-based): chr1:56,907,980, T>G. VCF-style: chr1-56907980-T-G. GRCh37 (hg19) VCF-style: chr1-57373653-T-G.
Other names: short protein forms V416G.
Identifiers: ClinVar variation 3688081 (VCV003688081.2).